The following is an entry in ClinVar:

NM_001270508.2(TNFAIP3):c.1261C>A (p.Leu421Met)

Gene: TNFAIP3 (TNF alpha induced protein 3; plus strand). Cytogenetic location: 6q23.3.
Variant type: single nucleotide variant.
Coding change: c.1261C>A on transcript NM_001270508.2 (MANE Select); coding-DNA position 1261, C replaced by A.
Protein change: p.Leu421Met; replaces leucine 421 with methionine.
Molecular consequence: missense variant.
Genome position (GRCh38, 1-based): chr6:137,878,706, C>A. VCF-style: chr6-137878706-C-A. GRCh37 (hg19) VCF-style: chr6-138199843-C-A.
Other names: c.1261C>A, p.Leu421Met (NM_001270507.2, NM_006290.4); short protein forms L421M.
Identifiers: ClinVar variation 1464198 (VCV001464198.6), dbSNP rs755227859, ClinGen allele CA4019597.

ClinVar aggregate classification (germline): Uncertain significance (1 of 4 stars; one submission).

Allele frequency attached by ClinVar (database versions not stated): gnomAD 0.00001; TOPMed 0.00002; gnomAD exomes 0.00003; ExAC 0.00004.
gnomAD v4.1: 14 of 1,614,036 alleles (0.00087%); highest among the groups gnomAD compares: Middle Eastern, 0.016%; no homozygotes.

Submission:

Labcorp Genetics (formerly Invitae), Labcorp
Classification: Uncertain significance. Last evaluated: 2025-08-20. Review status: criteria provided, single submitter. Criteria: Invitae Variant Classification Sherloc (09022015). Collection method: clinical testing. Allele origin: germline.
Comment: This sequence change replaces leucine, which is neutral and non-polar, with methionine, which is neutral and non-polar, at codon 421 of the TNFAIP3 protein (p.Leu421Met). This variant is present in population databases (rs755227859, gnomAD 0.02%). This variant has not been reported in the literature in individuals affected with TNFAIP3-related conditions. ClinVar contains an entry for this variant (Variation ID: 1464198). Invitae Evidence Modeling of protein sequence and biophysical properties (such as structural, functional, and spatial information, amino acid conservation, physicochemical variation, residue mobility, and thermodynamic stability) indicates that this missense variant is not expected to disrupt TNFAIP3 protein function with a negative predictive value of 80%. In summary, the available evidence is currently insufficient to determine the role of this variant in disease. Therefore, it has been classified as a Variant of Uncertain Significance.